The following is an entry in ClinVar:

NM_025136.4(OPA3):c.*6767G>A

Genes: OPA3 (outer mitochondrial membrane lipid metabolism regulator OPA3; minus strand), OPA3-RTN2 (OPA3-RTN2 readthrough; minus strand). Cytogenetic location: 19q13.32.
Variant type: single nucleotide variant.
Coding change: c.*6767G>A on transcript NM_025136.4 (MANE Select); 6767 bases downstream of the stop codon, G replaced by A.
Molecular consequence: 3 prime UTR variant. On other transcripts: intron variant (1).
Genome position (GRCh38, 1-based): chr19:45,546,747, C>T on the plus strand (G>A on the coding strand, the complement: OPA3 is on the minus strand). VCF-style: chr19-45546747-C-T. GRCh37 (hg19) VCF-style: chr19-46050005-C-T.
Other names: c.143-17291G>A (NM_001017989.3).
Identifiers: ClinVar variation 329558 (VCV000329558.5), dbSNP rs142898530, ClinGen allele CA10652554.
Genomic context (GRCh38, chr19:45,546,747, plus strand): 5'-ACCAAGTCTCACTCTGGCACCTAGGCTGGAATGCAGTAGTGCAATCTTGGCTCACTGCAA[C>T]GTCCACCTCCTGGGCTCAAGCAATTCTCCTATGTCAGCCTCTCATGTAGCTGGGATTACA-3'

ClinVar aggregate classification (germline): Conflicting classifications of pathogenicity. Review status: criteria provided, conflicting classifications (1 of 4 stars). 2 submissions from 1 submitter: Uncertain significance (1); Benign (1). Last evaluated 2018-01-12.

Conditions:
Optic atrophy 3 (OPA3). Also called: OPTIC ATROPHY 3, AUTOSOMAL DOMINANT; Optic atrophy, cataract, and neurologic disorder; Optic atrophy 3 with cataract. Identifiers: Orphanet 67036, MedGen C1833809, MONDO:0008133, OMIM 165300.
3-Methylglutaconic aciduria type 3 (MGCA3). Also called: OPA3, AUTOSOMAL RECESSIVE; OPTIC ATROPHY 3, AUTOSOMAL RECESSIVE; Costeff Syndrome; OPA3-Related 3-Methylglutaconic Aciduria. Identifiers: Orphanet 67047, MedGen C0574084, MONDO:0009787, OMIM 258501.

Allele frequency attached by ClinVar (database versions not stated): 1000 Genomes Project 30x 0.00453; 1000 Genomes Project 0.00499; gnomAD 0.00612 and 0.00668; TOPMed 0.00725.

Submissions (2):

Illumina Laboratory Services, Illumina
Classification: Benign for Optic atrophy 3. Last evaluated: 2018-01-12. Review status: criteria provided, single submitter. Criteria: ICSL Variant Classification Criteria 13 December 2019. Collection method: clinical testing. Allele origin: germline.
Comment: This variant was observed in the ICSL laboratory as part of a predisposition screen in an ostensibly healthy population. It had not been previously curated by ICSL or reported in the Human Gene Mutation Database (HGMD: prior to June 1st, 2018), and was therefore a candidate for classification through an automated scoring system. Utilizing variant allele frequency, disease prevalence and penetrance estimates, and inheritance mode, an automated score was calculated to assess if this variant is too frequent to cause the disease. Based on the score and internal cut-off values, a variant classified as benign is not then subjected to further curation. The score for this variant resulted in a classification of benign for this disease.

Illumina Laboratory Services, Illumina
Classification: Uncertain significance for 3-Methylglutaconic aciduria type 3. Last evaluated: 2018-01-12. Review status: criteria provided, single submitter. Criteria: ICSL Variant Classification Criteria 13 December 2019. Collection method: clinical testing. Allele origin: germline.